The following is an entry in ClinVar:

NM_001042492.3(NF1):c.6972G>A (p.Gln2324=)

Gene: NF1 (neurofibromin 1; plus strand). Cytogenetic location: 17q11.2.
Variant type: single nucleotide variant.
Coding change: c.6972G>A on transcript NM_001042492.3 (MANE Select); coding-DNA position 6972, G replaced by A.
Protein change: p.Gln2324=; no amino-acid change (glutamine 2324 retained).
Molecular consequence: synonymous variant.
Genome position (GRCh38, 1-based): chr17:31,340,555, G>A. VCF-style: chr17-31340555-G-A. GRCh37 (hg19) VCF-style: chr17-29667573-G-A.
Other names: c.6909G>A, p.Gln2303= (NM_000267.4).
Identifiers: ClinVar variation 481909 (VCV000481909.7), dbSNP rs1555535169, ClinGen allele CA499235188.

ClinVar aggregate classification (germline): Likely benign. Review status: criteria provided, multiple submitters, no conflicts (2 of 4 stars). 3 submissions from 2 submitters: Likely benign (3). Last evaluated 2026-01-01.

Conditions:
Cardiovascular phenotype. Identifiers: MedGen CN230736.
Hereditary cancer-predisposing syndrome. Also called: Hereditary neoplastic syndrome; Neoplastic Syndromes, Hereditary; Tumor predisposition; Hereditary Cancer Syndrome. Identifiers: Orphanet 140162, MedGen C0027672, MeSH D009386, MONDO:0015356.
Neurofibromatosis, type 1 (NF1). Also called: VON RECKLINGHAUSEN DISEASE; Peripheral type neurofibromatosis; NEUROFIBROMATOSIS, TYPE I, SOMATIC; Neurofibromatosis, type I. Identifiers: Orphanet 636, MedGen C0027831, MONDO:0018975, OMIM 162200. Disease mechanism: loss of function.

Submissions (3):

Labcorp Genetics (formerly Invitae), Labcorp
Classification: Likely benign for Neurofibromatosis, type 1. Last evaluated: 2026-01-01. Review status: criteria provided, single submitter. Criteria: Invitae Variant Classification Sherloc (09022015). Collection method: clinical testing. Allele origin: germline.

Ambry Genetics
Classification: Likely benign for Cardiovascular phenotype; Hereditary cancer-predisposing syndrome. Last evaluated: 2025-12-07. Review status: criteria provided, single submitter. Criteria: Ambry Variant Classification Scheme 2023. Collection method: clinical testing. Allele origin: germline.

Ambry Genetics
Classification: Likely benign for Hereditary cancer-predisposing syndrome. Last evaluated: 2016-03-16. Review status: criteria provided, single submitter. Criteria: Ambry Autosomal Dominant and X-Linked criteria (10/2015). Collection method: clinical testing. Allele origin: germline. Observed: 1 variant allele.
Comment: Synonymous alterations with insufficient evidence to classify as benign